The following is an entry in ClinVar:

ClinVar aggregate classification (germline): Likely benign. Review status: criteria provided, multiple submitters, no conflicts (2 of 4 stars). 2 submissions from 2 submitters: Likely benign (2). Last evaluated 2025-12-23.

Conditions:
3-methylcrotonyl-CoA carboxylase 1 deficiency (MCC1D). Also called: METHYLCROTONYLGLYCINURIA TYPE I; MCCD TYPE 1; MCC 1 deficiency; 3 Alpha methylcrotonylglycinuria 1. Identifiers: Orphanet 6, MedGen CN028786, MONDO:0008861, OMIM 210200.

Allele frequency attached by ClinVar (database versions not stated): gnomAD exomes 0.00004 and 0.00008; ExAC 0.00008; ESP Exome Variant Server 0.00023; 1000 Genomes Project 30x 0.00031; gnomAD 0.00031 and 0.00034; TOPMed 0.00035; 1000 Genomes Project 0.00040.
gnomAD v4.1: 103 of 1,613,864 alleles (0.0064%); highest among the groups gnomAD compares: African/African-American, 0.08%; no homozygotes.

Submissions (2):

Labcorp Genetics (formerly Invitae), Labcorp
Classification: Likely benign for 3-methylcrotonyl-CoA carboxylase 1 deficiency. Last evaluated: 2025-12-23. Review status: criteria provided, single submitter. Criteria: Invitae Variant Classification Sherloc (09022015). Collection method: clinical testing. Allele origin: germline.

GeneDx
Classification: Likely benign. Last evaluated: 2016-03-17. Review status: criteria provided, single submitter. Criteria: GeneDx Variant Classification (06012015). Collection method: clinical testing. Allele origin: germline. Affected: yes.
Comment: This variant is considered likely benign or benign based on one or more of the following criteria: it is a conservative change, it occurs at a poorly conserved position in the protein, it is predicted to be benign by multiple in silico algorithms, and/or has population frequency not consistent with disease.

NM_020166.5(MCCC1):c.438A>G (p.Gly146=)

Gene: MCCC1 (methylcrotonyl-CoA carboxylase subunit 1; minus strand). Cytogenetic location: 3q27.1.
Variant type: single nucleotide variant.
Coding change: c.438A>G on transcript NM_020166.5 (MANE Select); coding-DNA position 438, A replaced by G.
Protein change: p.Gly146=; no amino-acid change (glycine 146 retained).
Molecular consequence: synonymous variant. On other transcripts: non-coding transcript variant (2), intron variant (1).
Genome position (GRCh38, 1-based): chr3:183,072,419, T>C on the plus strand (A>G on the coding strand, the complement: MCCC1 is on the minus strand). VCF-style: chr3-183072419-T-C. GRCh37 (hg19) VCF-style: chr3-182790207-T-C.
Other names: c.111A>G, p.Gly37= (NM_001363880.1); c.141-1062A>G (NM_001293273.2).
Identifiers: ClinVar variation 383522 (VCV000383522.12), dbSNP rs139987877, ClinGen allele CA2719073.